The following is an entry in ClinVar:

NM_001166108.2(PALLD):c.818T>A (p.Phe273Tyr)

Gene: PALLD (palladin, cytoskeletal associated protein; plus strand). Cytogenetic location: 4q32.3.
Variant type: single nucleotide variant.
Coding change: c.818T>A on transcript NM_001166108.2 (MANE Select); coding-DNA position 818, T replaced by A.
Protein change: p.Phe273Tyr; replaces phenylalanine 273 with tyrosine.
Molecular consequence: missense variant.
Genome position (GRCh38, 1-based): chr4:168,512,322, T>A. VCF-style: chr4-168512322-T-A. GRCh37 (hg19) VCF-style: chr4-169433473-T-A.
Other names: c.818T>A, p.Phe273Tyr (NM_016081.4); short protein forms F273Y.
Identifiers: ClinVar variation 3413629 (VCV003413629.1).

ClinVar aggregate classification (germline): Uncertain significance (1 of 4 stars; one submission).

Submission:

Ambry Genetics
Classification: Uncertain significance. Last evaluated: 2024-09-30. Review status: criteria provided, single submitter. Criteria: Ambry Variant Classification Scheme 2023. Collection method: clinical testing. Allele origin: germline.
Comment: The p.F273Y variant (also known as c.818T>A), located in coding exon 1 of the PALLD gene, results from a T to A substitution at nucleotide position 818. The phenylalanine at codon 273 is replaced by tyrosine, an amino acid with highly similar properties. This amino acid position is conserved. In addition, the in silico prediction for this alteration is inconclusive. Based on the available evidence, the clinical significance of this variant remains unclear.